The following is an entry in ClinVar:

NM_000391.4(TPP1):c.468C>A (p.Pro156=)

Gene: TPP1 (tripeptidyl peptidase 1; minus strand). Cytogenetic location: 11p15.4.
Variant type: single nucleotide variant.
Coding change: c.468C>A on transcript NM_000391.4 (MANE Select); coding-DNA position 468, C replaced by A.
Protein change: p.Pro156=; no amino-acid change (proline 156 retained).
Molecular consequence: synonymous variant.
Genome position (GRCh38, 1-based): chr11:6,617,341, G>T on the plus strand (C>A on the coding strand, the complement: TPP1 is on the minus strand). VCF-style: chr11-6617341-G-T. GRCh37 (hg19) VCF-style: chr11-6638572-G-T.
Identifiers: ClinVar variation 4084340 (VCV004084340.8).

ClinVar aggregate classification (germline): Likely benign (1 of 4 stars; one submission).

Submission:

CeGaT Center for Human Genetics Tuebingen
Classification: Likely benign. Last evaluated: 2025-07-01. Review status: criteria provided, single submitter. Criteria: CeGaT Center For Human Genetics Tuebingen Variant Classification Criteria Version 2. Collection method: clinical testing. Allele origin: germline. Affected: yes. Observed: 1 variant allele.
Comment: TPP1: PM2:Supporting, BP4, BP7